The following is an entry in ClinVar:

NM_052872.4(IL17F):c.181A>G (p.Ile61Val)

Gene: IL17F (interleukin 17F; minus strand). Cytogenetic location: 6p12.2.
Variant type: single nucleotide variant.
Coding change: c.181A>G on transcript NM_052872.4 (MANE Select); coding-DNA position 181, A replaced by G.
Protein change: p.Ile61Val; replaces isoleucine 61 with valine.
Molecular consequence: missense variant.
Genome position (GRCh38, 1-based): chr6:52,238,803, T>C on the plus strand (A>G on the coding strand, the complement: IL17F is on the minus strand). VCF-style: chr6-52238803-T-C. GRCh37 (hg19) VCF-style: chr6-52103601-T-C.
Other names: short protein forms I61V.
Identifiers: ClinVar variation 1491132 (VCV001491132.8), dbSNP rs1488403842, ClinGen allele CA364445013.

ClinVar aggregate classification (germline): Uncertain significance (1 of 4 stars; one submission).

Conditions:
Candidiasis, familial, 6 (CANDF6). Also called: Candidiasis, familial, 6, autosomal dominant. Identifiers: Orphanet 1334, MedGen C3151405, MONDO:0013503, OMIM 613956.

Allele frequency attached by ClinVar (database versions not stated): gnomAD exomes below 0.00001; TOPMed below 0.00001.
gnomAD v4.1: 2 of 1,614,180 alleles (0.00012%); highest among the groups gnomAD compares: African/African-American, 0.0013%; no homozygotes.

Submission:

Labcorp Genetics (formerly Invitae), Labcorp
Classification: Uncertain significance for Candidiasis, familial, 6. Last evaluated: 2025-05-11. Review status: criteria provided, single submitter. Criteria: Invitae Variant Classification Sherloc (09022015). Collection method: clinical testing. Allele origin: germline.
Comment: This sequence change replaces isoleucine, which is neutral and non-polar, with valine, which is neutral and non-polar, at codon 61 of the IL17F protein (p.Ile61Val). This variant is not present in population databases (gnomAD no frequency). This variant has not been reported in the literature in individuals affected with IL17F-related conditions. ClinVar contains an entry for this variant (Variation ID: 1491132). An algorithm developed to predict the effect of missense changes on protein structure and function (PolyPhen-2) suggests that this variant is likely to be tolerated. In summary, the available evidence is currently insufficient to determine the role of this variant in disease. Therefore, it has been classified as a Variant of Uncertain Significance.